The following is an entry in ClinVar:

ClinVar aggregate classification (germline): Uncertain significance (1 of 4 stars; one submission).

Conditions:
Spondyloepiphyseal dysplasia with congenital joint dislocations (SEDCJD). Also called: Chondrodysplasia with Congenital Joint Dislocations, CHST3-Related. Identifiers: Orphanet 263463, MedGen C1837657, MONDO:0007738, OMIM 143095.

Allele frequency attached by ClinVar (database versions not stated): gnomAD exomes below 0.00001.
gnomAD v4.1: 4 of 1,604,804 alleles (0.00025%); highest among the groups gnomAD compares: Non-Finnish European, 0.00034%; no homozygotes.

Submission:

Labcorp Genetics (formerly Invitae), Labcorp
Classification: Uncertain significance for Spondyloepiphyseal dysplasia with congenital joint dislocations. Last evaluated: 2022-07-05. Review status: criteria provided, single submitter. Criteria: Invitae Variant Classification Sherloc (09022015). Collection method: clinical testing. Allele origin: germline.
Comment: In summary, the available evidence is currently insufficient to determine the role of this variant in disease. Therefore, it has been classified as a Variant of Uncertain Significance. Algorithms developed to predict the effect of missense changes on protein structure and function are either unavailable or do not agree on the potential impact of this missense change (SIFT: "Tolerated"; PolyPhen-2: "Possibly Damaging"; Align-GVGD: "Class C0"). This variant has not been reported in the literature in individuals affected with CHST3-related conditions. This variant is present in population databases (no rsID available, gnomAD 0.001%). This sequence change replaces alanine, which is neutral and non-polar, with valine, which is neutral and non-polar, at codon 271 of the CHST3 protein (p.Ala271Val).

NM_004273.5(CHST3):c.812C>T (p.Ala271Val)

Gene: CHST3 (carbohydrate sulfotransferase 3; plus strand). Cytogenetic location: 10q22.1.
Variant type: single nucleotide variant.
Coding change: c.812C>T on transcript NM_004273.5 (MANE Select); coding-DNA position 812, C replaced by T.
Protein change: p.Ala271Val; replaces alanine 271 with valine.
Molecular consequence: missense variant.
Genome position (GRCh38, 1-based): chr10:72,007,843, C>T. VCF-style: chr10-72007843-C-T. GRCh37 (hg19) VCF-style: chr10-73767601-C-T.
Other names: short protein forms A271V.
Identifiers: ClinVar variation 2013402 (VCV002013402.4), dbSNP rs1211318485, ClinGen allele CA377146899.